The following is an entry in ClinVar:

NM_000138.5(FBN1):c.3845A>G (p.Asn1282Ser)

Gene: FBN1 (fibrillin 1; minus strand). Cytogenetic location: 15q21.1.
Variant type: single nucleotide variant.
Coding change: c.3845A>G on transcript NM_000138.5 (MANE Select); coding-DNA position 3845, A replaced by G.
Protein change: p.Asn1282Ser; replaces asparagine 1282 with serine.
Molecular consequence: missense variant.
Genome position (GRCh38, 1-based): chr15:48,481,774, T>C on the plus strand (A>G on the coding strand, the complement: FBN1 is on the minus strand). VCF-style: chr15-48481774-T-C. GRCh37 (hg19) VCF-style: chr15-48773971-T-C.
Other names: short protein forms N1282S.
Identifiers: ClinVar variation 255295 (VCV000255295.18), dbSNP rs140647, ClinGen allele CA051637.

ClinVar aggregate classification (germline): Conflicting classifications of pathogenicity. Review status: criteria provided, conflicting classifications (1 of 4 stars). 9 submissions from 9 submitters: Uncertain significance (5); Benign (1); Likely benign (2). 1 of the submissions does not count toward it. Last evaluated 2025-12-31.

Conditions:
Marfan syndrome (MFS). Also called: MARFAN SYNDROME, TYPE I; FBN1-Related Marfan Syndrome; Marfan syndrome, classic; Marfan syndrome type 1; Marfan's syndrome. Identifiers: Orphanet 284963, Orphanet 558, MedGen C0024796, MONDO:0007947, OMIM 154700.
Familial thoracic aortic aneurysm and aortic dissection (TAAD). Also called: Thoracic aortic aneurysms and dissections. Identifiers: Orphanet 91387, MedGen C4707243, MONDO:0019625.

Allele frequency attached by ClinVar (database versions not stated): gnomAD 0.00001 and 0.00002; 1000 Genomes Project 30x 0.00016; TOPMed 0.00006; ExAC 0.00007; gnomAD exomes 0.00003 and 0.00005; 1000 Genomes Project 0.00020; ESP Exome Variant Server 0.00023.
gnomAD v4.1: 51 of 1,613,276 alleles (0.0032%); highest among the groups gnomAD compares: Middle Eastern, 0.017%; 1 homozygote.

Submissions (9):

Labcorp Genetics (formerly Invitae), Labcorp
Classification: Likely benign for Marfan syndrome; Familial thoracic aortic aneurysm and aortic dissection. Last evaluated: 2025-12-31. Review status: criteria provided, single submitter. Criteria: Invitae Variant Classification Sherloc (09022015). Collection method: clinical testing. Allele origin: germline.

GeneDx
Classification: Uncertain significance. Last evaluated: 2024-12-12. Review status: criteria provided, single submitter. Criteria: GeneDx Variant Classification Process June 2021. Collection method: clinical testing. Allele origin: germline. Affected: yes.
Comment: Has been observed in individuals with Marfan syndrome; however, one patient also harbored a variant in the SMAD3 gene (PMID: 27724990, 10464652, 37558401); Does not affect a cysteine or calcium-binding residue within an EGF-like domain or a TGF-binding protein domain of the FBN1 gene; cysteine substitutions in the EGF-like domains represent the majority of pathogenic missense changes associated with FBN1-related disorders (PMID: 12938084); In silico analysis supports that this missense variant has a deleterious effect on protein structure/function; This variant is associated with the following publications: (PMID: 10464652, 31227806, 27724990, 11875032, 19561590, 24941995, 25812041, 12938084, 35788118, 37558401)

Blueprint Genetics
Classification: Likely benign. Last evaluated: 2024-10-29. Review status: criteria provided, single submitter. Criteria: ACMG Guidelines, 2015. Collection method: clinical testing. Allele origin: germline.

Women's Health and Genetics/Laboratory Corporation of America, LabCorp
Classification: Uncertain significance. Last evaluated: 2024-09-23. Review status: criteria provided, single submitter. Criteria: LabCorp Variant Classification Summary - May 2015. Collection method: clinical testing. Allele origin: germline.
Comment: Variant summary: FBN1 c.3845A>G (p.Asn1282Ser) results in a conservative amino acid change located in the EGF-like domain (IPR000742) of the encoded protein sequence. Three of five in-silico tools predict a damaging effect of the variant on protein function. The variant allele was found at a frequency of 4.8e-05 in 251272 control chromosomes, predominantly at a frequency of 0.00013 within the South Asian subpopulation in the gnomAD database. The available data on variant occurrences in the general population are insufficient to allow any conclusion about variant significance. c.3845A>G has been reported in the literature in individuals affected with Marfan Syndrome, without strong evidence for causality (example, Groth_2016, Liu_1997, Yang_2014,Yoon_2023). These report(s) do not provide unequivocal conclusions about association of the variant with Marfan Syndrome. To our knowledge, no experimental evidence demonstrating an impact on protein function has been reported. The following publications have been ascertained in the context of this evaluation (PMID: 25812041, 10464652, 24941995, 37558401). ClinVar contains an entry for this variant (Variation ID: 255295). Based on the evidence outlined above, the variant was classified as uncertain significance.

Genomic Medicine Center of Excellence, King Faisal Specialist Hospital and Research Centre
Classification: Uncertain significance for Marfan syndrome. Last evaluated: 2024-03-26. Review status: criteria provided, single submitter. Criteria: ACMG Guidelines, 2015. Collection method: clinical testing. Allele origin: germline.

Color Diagnostics, LLC DBA Color Health
Classification: Uncertain significance for Familial thoracic aortic aneurysm and aortic dissection. Last evaluated: 2024-02-09. Review status: criteria provided, single submitter. Criteria: ACMG Guidelines, 2015. Collection method: clinical testing. Allele origin: germline.
Comment: This missense variant replaces asparagine with serine at codon 1282 of the FBN1 protein.Computational prediction tools indicate that this variant's impact on protein structure and function is inconclusive. To our knowledge, functional studies have not been reported for this variant. This variant has been reported in two individuals affected with Marfan syndrome (PMID: 27724990; Lee, et al. poster, 2018) and in one individual affected with Marfan syndrome or related connective tissue disorder (PMID: 10464652). This variant has also been identified in 12/251272 chromosomes in the general population by the Genome Aggregation Database (gnomAD). The available evidence is insufficient to determine the role of this variant in disease conclusively. Therefore, this variant is classified as a Variant of Uncertain Significance.

All of Us Research Program, National Institutes of Health
Classification: Uncertain significance for Marfan syndrome. Last evaluated: 2024-01-11. Review status: criteria provided, single submitter. Criteria: ACMG Guidelines, 2015. Collection method: clinical testing. Allele origin: germline. Inheritance: Autosomal dominant inheritance. Observed: 8 variant alleles, 8 heterozygotes.
Comment: This missense variant replaces asparagine with serine at codon 1282 of the FBN1 protein. Computational prediction is inconclusive regarding the impact of this variant on protein structure and function (internally defined REVEL score threshold 0.5 < inconclusive < 0.7, PMID: 27666373). To our knowledge, functional studies have not been reported for this variant. This variant has been reported in two individuals affected with Marfan syndrome (PMID: 27724990, Lee et al., 2018) and in an individual affected with Marfan syndrome or related connective tissue disorder (PMID: 10464652). This variant has also been identified in 12/251272 chromosomes in the general population by the Genome Aggregation Database (gnomAD). The available evidence is insufficient to determine the role of this variant in disease conclusively. Therefore, this variant is classified as a Variant of Uncertain Significance.

This study involves interpretation of variants in research participants for the purpose of population health screening. Participant phenotype was not available at the time of variant classification. Additional details can be found in publication PMID: 35346344, PMCID: PMC8962531

PreventionGenetics, part of Exact Sciences
Classification: Benign. Review status: criteria provided, single submitter. Criteria: ACMG Guidelines, 2015. Collection method: clinical testing. Allele origin: germline.

Department of Laboratory Medicine and Genetics, Samsung Medical Center
Classification: Uncertain significance for Marfan syndrome. Last evaluated: 2025-01-02. Review status: no assertion criteria provided. Collection method: clinical testing. Allele origin: germline. Not counted in ClinVar's aggregate classification.
Comment: The NM_000138.5:c.3845A>G is considered to be not rare in the general population database (gnomAD v2.1.1). In summary, the available evidence is currently insufficient to evaluate the pathogenicity of this variant, resulting its classification as a variant of uncertain significance (BS1).

Literature cited by the submitters: PubMed 10464652 (cited by 4 submitters); PubMed 24941995 (cited by Women's Health and Genetics/Laboratory Corporation of America, LabCorp and Department of Laboratory Medicine and Genetics, Samsung Medical Center); PubMed 25812041 (cited by Women's Health and Genetics/Laboratory Corporation of America, LabCorp and Department of Laboratory Medicine and Genetics, Samsung Medical Center); PubMed 37558401 (cited by Women's Health and Genetics/Laboratory Corporation of America, LabCorp and Department of Laboratory Medicine and Genetics, Samsung Medical Center); PubMed 27724990 (cited by Color Diagnostics, LLC DBA Color Health and All of Us Research Program, National Institutes of Health); PubMed 11875032 (cited by Department of Laboratory Medicine and Genetics, Samsung Medical Center).